The following is an entry in ClinVar:

NM_005245.4(FAT1):c.4645G>A (p.Val1549Met)

Gene: FAT1 (FAT atypical cadherin 1; minus strand). Cytogenetic location: 4q35.2.
Variant type: single nucleotide variant.
Coding change: c.4645G>A on transcript NM_005245.4 (MANE Select); coding-DNA position 4645, G replaced by A.
Protein change: p.Val1549Met; replaces valine 1549 with methionine.
Molecular consequence: missense variant.
Genome position (GRCh38, 1-based): chr4:186,628,319, C>T on the plus strand (G>A on the coding strand, the complement: FAT1 is on the minus strand). VCF-style: chr4-186628319-C-T. GRCh37 (hg19) VCF-style: chr4-187549473-C-T.
Other names: p.Val1549Met; short protein forms V1549M.
Identifiers: ClinVar variation 737652 (VCV000737652.16), dbSNP rs141486462, ClinGen allele CA3166651.

ClinVar aggregate classification (germline): Likely benign. Review status: criteria provided, multiple submitters, no conflicts (2 of 4 stars). 5 submissions from 5 submitters: Likely benign (4). 1 of the submissions does not count toward it. Last evaluated 2025-12-22.

Conditions:
FAT1-related disorder. Also called: FAT1-related condition.

Allele frequency attached by ClinVar (database versions not stated): gnomAD exomes 0.00027 and 0.00069; ExAC 0.00082; 1000 Genomes Project 0.00140; 1000 Genomes Project 30x 0.00156; gnomAD 0.00249 and 0.00277; ESP Exome Variant Server 0.00280; TOPMed 0.00314.
gnomAD v4.1: 806 of 1,613,392 alleles (0.05%); highest among the groups gnomAD compares: African/African-American, 0.87%; 4 homozygotes.

Submissions (5):

Labcorp Genetics (formerly Invitae), Labcorp
Classification: Likely benign. Last evaluated: 2025-12-22. Review status: criteria provided, single submitter. Criteria: Invitae Variant Classification Sherloc (09022015). Collection method: clinical testing. Allele origin: germline.

Mayo Clinic Laboratories, Mayo Clinic
Classification: Likely benign. Last evaluated: 2025-06-04. Review status: criteria provided, single submitter. Criteria: ACMG Guidelines, 2015. Collection method: clinical testing. Allele origin: germline. Observed: 4 variant alleles.
Comment: BS1, BP4

GeneDx
Classification: Likely benign. Last evaluated: 2022-04-21. Review status: criteria provided, single submitter. Criteria: GeneDx Variant Classification Process June 2021. Collection method: clinical testing. Allele origin: germline. Affected: yes.
Comment: See Variant Classification Assertion Criteria.

Department of Pathology and Laboratory Medicine, Sinai Health System
Classification: Likely benign for FAT1-related disorder. Last evaluated: 2020-06-18. Review status: criteria provided, single submitter. Criteria: ACMG Guidelines, 2015. Collection method: research. Allele origin: germline.

PreventionGenetics, part of Exact Sciences
Classification: Likely benign for FAT1-related condition. Last evaluated: 2019-11-21. Review status: no assertion criteria provided. Collection method: clinical testing. Allele origin: germline. Not counted in ClinVar's aggregate classification.
Comment: This variant is classified as likely benign based on ACMG/AMP sequence variant interpretation guidelines (Richards et al. 2015 PMID: 25741868, with internal and published modifications).